The following is an entry in ClinVar:

ClinVar aggregate classification (germline): Conflicting classifications of pathogenicity. Review status: criteria provided, conflicting classifications (1 of 4 stars). 2 submissions from 2 submitters: Uncertain significance (1); Likely benign (1). Last evaluated 2021-11-18.

Conditions:
DeSanto-Shinawi syndrome due to WAC point mutation (DESSH). Also called: WAC-Related Intellectual Disability; Facial dysmorphism-developmental delay-behavioral abnormalities syndrome due to WAC point mutation; DEVELOPMENTAL DELAY, BEHAVIORAL ABNORMALITIES, FACIAL DYSMORPHISM, AND OCULAR ABNORMALITIES. Identifiers: Orphanet 284169, Orphanet 466950, MedGen C5681129, MONDO:0014741, OMIM 616708.

Allele frequency attached by ClinVar (database versions not stated): TOPMed 0.00001; gnomAD 0.00002 and 0.00003; gnomAD exomes 0.00002 and 0.00005; ExAC 0.00003; 1000 Genomes Project 30x 0.00016; 1000 Genomes Project 0.00020.
gnomAD v4.1: 53 of 1,614,002 alleles (0.0033%); highest among the groups gnomAD compares: South Asian, 0.031%; 1 homozygote.

Submissions (2):

Revvity Omics, Revvity
Classification: Uncertain significance for DeSanto-Shinawi syndrome due to WAC point mutation. Last evaluated: 2021-11-18. Review status: criteria provided, single submitter. Criteria: ACMG Guidelines, 2015. Collection method: clinical testing. Allele origin: germline.

GeneDx
Classification: Likely benign. Last evaluated: 2021-01-11. Review status: criteria provided, single submitter. Criteria: GeneDx Variant Classification Process June 2021. Collection method: clinical testing. Allele origin: germline. Affected: yes.
Comment: See Variant Classification Assertion Criteria.

NM_016628.5(WAC):c.140G>A (p.Arg47Gln)

Gene: WAC (WW domain containing adaptor with coiled-coil; plus strand). Cytogenetic location: 10p12.1.
Variant type: single nucleotide variant.
Coding change: c.140G>A on transcript NM_016628.5 (MANE Select); coding-DNA position 140, G replaced by A.
Protein change: p.Arg47Gln; replaces arginine 47 with glutamine.
Molecular consequence: missense variant.
Genome position (GRCh38, 1-based): chr10:28,535,623, G>A. VCF-style: chr10-28535623-G-A. GRCh37 (hg19) VCF-style: chr10-28824552-G-A.
Other names: c.5G>A, p.Arg2Gln (NM_100264.3); c.140G>A, p.Arg47Gln (NM_100486.4); short protein forms R2Q, R47Q.
Identifiers: ClinVar variation 1678817 (VCV001678817.4), dbSNP rs374821442, ClinGen allele CA5454701.